The following is an entry in ClinVar:

NM_001135629.3(PPP1R21):c.991A>T (p.Thr331Ser)

Gene: PPP1R21 (protein phosphatase 1 regulatory subunit 21; plus strand). Cytogenetic location: 2p16.3.
Variant type: single nucleotide variant.
Coding change: c.991A>T on transcript NM_001135629.3 (MANE Select); coding-DNA position 991, A replaced by T.
Protein change: p.Thr331Ser; replaces threonine 331 with serine.
Molecular consequence: missense variant. On other transcripts: non-coding transcript variant (1).
Genome position (GRCh38, 1-based): chr2:48,471,180, A>T. VCF-style: chr2-48471180-A-T. GRCh37 (hg19) VCF-style: chr2-48698319-A-T.
Other names: c.991A>T, p.Thr331Ser (NM_001193475.2, NM_152994.5); short protein forms T331S.
Identifiers: ClinVar variation 4686868 (VCV004686868.1).

ClinVar aggregate classification (germline): Uncertain significance (1 of 4 stars; one submission).

gnomAD v4.1: 285 of 1,611,056 alleles (0.018%); highest among the groups gnomAD compares: South Asian, 0.3%; 2 homozygotes.

Submission:

GeneDx
Classification: Uncertain significance. Last evaluated: 2025-07-25. Review status: criteria provided, single submitter. Criteria: GeneDx Variant Classification Process June 2021. Collection method: clinical testing. Allele origin: germline. Affected: yes.
Comment: In silico analysis suggests that this missense variant does not alter protein structure/function; Has not been previously published as pathogenic or benign to our knowledge